The following is an entry in ClinVar:

NM_024652.6(LRRK1):c.3715G>C (p.Glu1239Gln)

Genes: LRRK1 (leucine rich repeat kinase 1; plus strand), LRRK1-AS1 (LRRK1 antisense RNA 1; minus strand). Cytogenetic location: 15q26.3.
Variant type: single nucleotide variant.
Coding change: c.3715G>C on transcript NM_024652.6 (MANE Select); coding-DNA position 3715, G replaced by C.
Protein change: p.Glu1239Gln; replaces glutamic acid 1239 with glutamine.
Molecular consequence: missense variant.
Genome position (GRCh38, 1-based): chr15:101,052,947, G>C. VCF-style: chr15-101052947-G-C. GRCh37 (hg19) VCF-style: chr15-101593152-G-C.
Other names: c.3715G>C (NM_024652.3); short protein forms E1239Q.
Identifiers: ClinVar variation 1519689 (VCV001519689.4), dbSNP rs373500031, ClinGen allele CA7761624.

ClinVar aggregate classification (germline): Uncertain significance. Review status: criteria provided, multiple submitters, no conflicts (2 of 4 stars). 2 submissions from 2 submitters: Uncertain significance (2). Last evaluated 2025-07-02.

Conditions:
Inborn genetic diseases. Identifiers: MedGen C0950123, MeSH D030342.

Allele frequency attached by ClinVar (database versions not stated): gnomAD exomes 0.00006; ExAC 0.00009; 1000 Genomes Project 0.00020; TOPMed 0.00027; 1000 Genomes Project 30x 0.00031; ESP Exome Variant Server 0.00031; gnomAD 0.00036 and 0.00037.
gnomAD v4.1: 76 of 1,610,002 alleles (0.0047%); highest among the groups gnomAD compares: African/African-American, 0.095%; 1 homozygote.

Submissions (2):

Ambry Genetics
Classification: Uncertain significance for Inborn genetic diseases. Last evaluated: 2025-07-02. Review status: criteria provided, single submitter. Criteria: Ambry Variant Classification Scheme 2023. Collection method: clinical testing. Allele origin: germline.

Labcorp Genetics (formerly Invitae), Labcorp
Classification: Uncertain significance. Last evaluated: 2022-07-05. Review status: criteria provided, single submitter. Criteria: Invitae Variant Classification Sherloc (09022015). Collection method: clinical testing. Allele origin: germline.
Comment: This sequence change replaces glutamic acid, which is acidic and polar, with glutamine, which is neutral and polar, at codon 1239 of the LRRK1 protein (p.Glu1239Gln). This variant is present in population databases (rs373500031, gnomAD 0.09%). This variant has not been reported in the literature in individuals affected with LRRK1-related conditions. ClinVar contains an entry for this variant (Variation ID: 1519689). Algorithms developed to predict the effect of missense changes on protein structure and function are either unavailable or do not agree on the potential impact of this missense change (SIFT: "Tolerated"; PolyPhen-2: "Possibly Damaging"; Align-GVGD: "Class C0"). In summary, the available evidence is currently insufficient to determine the role of this variant in disease. Therefore, it has been classified as a Variant of Uncertain Significance.